The following is an entry in ClinVar:

ClinVar aggregate classification (germline): Benign/Likely benign. Review status: criteria provided, multiple submitters, no conflicts (2 of 4 stars). 6 submissions from 6 submitters: Benign (4); Likely benign (2). Last evaluated 2026-02-04.

Conditions:
Autosomal recessive limb-girdle muscular dystrophy type 2N. Also called: MUSCULAR DYSTROPHY-DYSTROGLYCANOPATHY, LIMB-GIRDLE, POMT2-RELATED; Muscular dystrophy-dystroglycanopathy (limb-girdle), type C, 2. Identifiers: Orphanet 206559, MedGen C3150418, MONDO:0013162, OMIM 613158.
Muscular dystrophy-dystroglycanopathy (congenital with brain and eye anomalies), type A1 (MDDGA1). Also called: WALKER-WARBURG SYNDROME OR MUSCLE-EYE-BRAIN DISEASE, POMT1-RELATED; Hydrocephalus, agyria and retinal dysplasia; Hard +/- E syndrome; Warburg syndrome; Chemke syndrome; Pagon syndrome. Identifiers: Orphanet 588, Orphanet 899, MedGen C4284790, MONDO:0009364, OMIM 236670.
Muscular dystrophy-dystroglycanopathy (congenital with brain and eye anomalies), type A2. Also called: MUSCULAR DYSTROPHY-DYSTROGLYCANOPATHY (CONGENITAL WITH BRAIN AND EYE ANOMALIES), TYPE A, 2; WALKER-WARBURG SYNDROME OR MUSCLE-EYE-BRAIN DISEASE, POMT2-RELATED. Identifiers: Orphanet 588, Orphanet 899, MedGen C3150411, MONDO:0013154, OMIM 613150.
Muscular dystrophy-dystroglycanopathy (congenital with impaired intellectual development), type B, 2. Also called: MUSCULAR DYSTROPHY, CONGENITAL, POMT2-RELATED; Muscular dystrophy-dystroglycanopathy (congenital with intellectual disability), type B2. Identifiers: MedGen C3150416, MONDO:0013160, OMIM 613156.

Allele frequency attached by ClinVar (database versions not stated): gnomAD exomes 0.00140; ExAC 0.00186; gnomAD 0.00565 and 0.00613; ESP Exome Variant Server 0.00584; TOPMed 0.00628; 1000 Genomes Project 30x 0.00687; 1000 Genomes Project 0.00699.
gnomAD v4.1: 1,762 of 1,609,934 alleles (0.11%); highest among the groups gnomAD compares: African/African-American, 2%; 16 homozygotes.

Submissions (6):

Labcorp Genetics (formerly Invitae), Labcorp
Classification: Benign for Muscular dystrophy-dystroglycanopathy (congenital with impaired intellectual development), type B, 2; Muscular dystrophy-dystroglycanopathy (congenital with brain and eye anomalies), type A2; Autosomal recessive limb-girdle muscular dystrophy type 2N. Last evaluated: 2026-02-04. Review status: criteria provided, single submitter. Criteria: Invitae Variant Classification Sherloc (09022015). Collection method: clinical testing. Allele origin: germline.

Blueprint Genetics
Classification: Likely benign. Last evaluated: 2024-11-25. Review status: criteria provided, single submitter. Criteria: ACMG Guidelines, 2015. Collection method: clinical testing. Allele origin: germline.

Fulgent Genetics
Classification: Likely benign for Muscular dystrophy-dystroglycanopathy (congenital with brain and eye anomalies), type A1; Muscular dystrophy-dystroglycanopathy (congenital with brain and eye anomalies), type A2; Muscular dystrophy-dystroglycanopathy (congenital with impaired intellectual development), type B, 2; Autosomal recessive limb-girdle muscular dystrophy type 2N. Last evaluated: 2021-10-13. Review status: criteria provided, single submitter. Criteria: ACMG Guidelines, 2015. Collection method: clinical testing. Allele origin: unknown.

GeneDx
Classification: Benign. Last evaluated: 2014-10-31. Review status: criteria provided, single submitter. Criteria: GeneDx Variant Classification (06012015). Collection method: clinical testing. Allele origin: germline. Affected: yes.
Comment: This variant is considered likely benign or benign based on one or more of the following criteria: it is a conservative change, it occurs at a poorly conserved position in the protein, it is predicted to be benign by multiple in silico algorithms, and/or has population frequency not consistent with disease.

Breakthrough Genomics
Classification: Benign. Review status: criteria provided, single submitter. Criteria: ACMG Guidelines, 2015. Collection method: not provided. Allele origin: germline. Inheritance: Autosomal recessive inheritance. Affected: yes.

PreventionGenetics, part of Exact Sciences
Classification: Benign. Review status: criteria provided, single submitter. Criteria: ACMG Guidelines, 2015. Collection method: clinical testing. Allele origin: germline.

NM_013382.7(POMT2):c.1183+14A>G

Gene: POMT2 (protein O-mannosyltransferase 2; minus strand). Cytogenetic location: 14q24.3.
Variant type: single nucleotide variant.
Coding change: c.1183+14A>G on transcript NM_013382.7 (MANE Select); 14 bases into the intron after coding-DNA position 1183, A replaced by G.
Molecular consequence: intron variant.
Genome position (GRCh38, 1-based): chr14:77,291,300, T>C on the plus strand (A>G on the coding strand, the complement: POMT2 is on the minus strand). VCF-style: chr14-77291300-T-C. GRCh37 (hg19) VCF-style: chr14-77757643-T-C.
Identifiers: ClinVar variation 162595 (VCV000162595.12), dbSNP rs80099135, ClinGen allele CA295432.